The following is an entry in ClinVar:

ClinVar aggregate classification (germline): Pathogenic (1 of 4 stars; one submission).

Submission:

Labcorp Genetics (formerly Invitae), Labcorp
Classification: Pathogenic. Last evaluated: 2023-08-22. Review status: criteria provided, single submitter. Criteria: Invitae Variant Classification Sherloc (09022015). Collection method: clinical testing. Allele origin: germline.
Comment: For these reasons, this variant has been classified as Pathogenic. This variant has not been reported in the literature in individuals affected with ALPK3-related conditions. This variant is not present in population databases (gnomAD no frequency). This sequence change creates a premature translational stop signal (p.Gln1024Valfs*56) in the ALPK3 gene. It is expected to result in an absent or disrupted protein product. Loss-of-function variants in ALPK3 are known to be pathogenic (PMID: 21441111, 26846950, 27106955, 34263907).

Literature cited by the submitters: PubMed 21441111; PubMed 26846950; PubMed 27106955; PubMed 34263907.

NM_020778.5(ALPK3):c.2464_2465del (p.Gln822fs)

Gene: ALPK3 (alpha kinase 3; plus strand). Cytogenetic location: 15q25.3.
Variant type: Microsatellite.
Coding change: c.2464_2465del on transcript NM_020778.5 (MANE Select); coding-DNA positions 2464 to 2465, 2 bases deleted (CA; older notation c.2464_2465delCA).
Protein change: p.Gln822fs; shifts the reading frame from glutamine 822.
Molecular consequence: frameshift variant.
Genome position (GRCh38, 1-based): chr15:84,857,202-84,857,203, CA deleted; deleting any 2 consecutive bases within chr15:84,857,200-84,857,203 gives the same sequence; the c. name uses the placement nearest the transcript's 3' end. VCF-style (leftmost placement, unchanged base first): chr15-84857199-CCA-C. GRCh37 (hg19) VCF-style: chr15-85400430-CCA-C.
Other names: short protein forms Q822fs.
Identifiers: ClinVar variation 2791091 (VCV002791091.3), dbSNP rs1963874583, ClinGen allele CA2192388729.
Genomic context (GRCh38, chr15:84,857,199, plus strand): 5'-CCAGCACAGCCGCCCCATGAGGGGAGTGTGGAGCAGGTGGGAGGAGAGAGATGCCGAGGG[CCA>C]CAGTCATCAGGCCCAGTCGAGGCCAAGCAGGAGGACAGCCCGTTCCAGTGCCCCAAGGAG-3'